The following is an entry in ClinVar:

NM_152296.5(ATP1A3):c.670G>A (p.Asp224Asn)

Gene: ATP1A3 (ATPase Na+/K+ transporting subunit alpha 3; minus strand). Cytogenetic location: 19q13.2.
Variant type: single nucleotide variant.
Coding change: c.670G>A on transcript NM_152296.5 (MANE Select); coding-DNA position 670, G replaced by A.
Protein change: p.Asp224Asn; replaces aspartic acid 224 with asparagine.
Molecular consequence: missense variant.
Genome position (GRCh38, 1-based): chr19:41,985,360, C>T on the plus strand (G>A on the coding strand, the complement: ATP1A3 is on the minus strand). VCF-style: chr19-41985360-C-T. GRCh37 (hg19) VCF-style: chr19-42489512-C-T.
Other names: c.703G>A, p.Asp235Asn (NM_001256213.2); c.709G>A, p.Asp237Asn (NM_001256214.2); short protein forms D224N, D235N, D237N.
Identifiers: ClinVar variation 3621077 (VCV003621077.2).

ClinVar aggregate classification (germline): Uncertain significance (1 of 4 stars; one submission).

Conditions:
Dystonia 12 (DYT12). Also called: DYT-ATP1A3; Rapid-Onset Dystonia-Parkinsonism (RDP). Identifiers: Orphanet 71517, MedGen C1868681, MONDO:0007496, OMIM 128235.

gnomAD v4.1: 8 of 1,614,002 alleles (0.0005%); highest among the groups gnomAD compares: East Asian, 0.0022%; no homozygotes.

Submission:

Labcorp Genetics (formerly Invitae), Labcorp
Classification: Uncertain significance for Dystonia 12. Last evaluated: 2024-04-25. Review status: criteria provided, single submitter. Criteria: Invitae Variant Classification Sherloc (09022015). Collection method: clinical testing. Allele origin: germline.
Comment: This sequence change replaces aspartic acid, which is acidic and polar, with asparagine, which is neutral and polar, at codon 224 of the ATP1A3 protein (p.Asp224Asn). This variant is present in population databases (no rsID available, gnomAD 0.02%). This variant has not been reported in the literature in individuals affected with ATP1A3-related conditions. Advanced modeling of protein sequence and biophysical properties (such as structural, functional, and spatial information, amino acid conservation, physicochemical variation, residue mobility, and thermodynamic stability) performed at Invitae indicates that this missense variant is expected to disrupt ATP1A3 protein function with a positive predictive value of 80%. In summary, the available evidence is currently insufficient to determine the role of this variant in disease. Therefore, it has been classified as a Variant of Uncertain Significance.